The following is an entry in ClinVar:

NM_177398.4(LMX1A):c.596G>A (p.Arg199Lys)

Gene: LMX1A (LIM homeobox transcription factor 1 alpha; minus strand). Cytogenetic location: 1q23.3.
Variant type: single nucleotide variant.
Coding change: c.596G>A on transcript NM_177398.4 (MANE Select); coding-DNA position 596, G replaced by A.
Protein change: p.Arg199Lys; replaces arginine 199 with lysine.
Molecular consequence: missense variant.
Genome position (GRCh38, 1-based): chr1:165,213,714, C>T on the plus strand (G>A on the coding strand, the complement: LMX1A is on the minus strand). VCF-style: chr1-165213714-C-T. GRCh37 (hg19) VCF-style: chr1-165182951-C-T.
Other names: c.596G>A, p.Arg199Lys (NM_001174069.2); short protein forms R199K.
Identifiers: ClinVar variation 3601196 (VCV003601196.2).
Genomic context (GRCh38, chr1:165,213,714, plus strand): 5'-TTGGAGGATACTTCAAATGAGGCCTTGAATGCTCGCCTCTGTTGAGTTGTCAAGATGGTT[C>T]TCGGACGTTTGGGGCGCTTATGGTCCTTGCCTTCCTCAGCAGTTCCTTTCCCTGCCCCAT-3'
Protein context (NP_796372.1, residues 189-209): GKDHKRPKRP[Arg199Lys]TILTTQQRRA

ClinVar aggregate classification (germline): Conflicting classifications of pathogenicity. Review status: criteria provided, conflicting classifications (1 of 4 stars). 2 submissions from 2 submitters: Likely pathogenic (1); Uncertain significance (1). Last evaluated 2026-06-22.

Conditions:
Autosomal dominant nonsyndromic hearing loss 7. Also called: Deafness, autosomal dominant 7. Identifiers: Orphanet 90635, MedGen C1832379, MONDO:0011074, OMIM 601412.

Submissions (2):

Human Genetics Bochum, Ruhr University Bochum
Classification: Uncertain significance for Autosomal dominant nonsyndromic hearing loss 7. Last evaluated: 2026-06-22. Review status: criteria provided, single submitter. Criteria: ACMG Guidelines, 2015. Collection method: clinical testing. Allele origin: germline. Affected: yes.
Comment: ACMG criteria used to clasify this variant: PM5, PM2_SUP, PP3

Institute of Rare Diseases, West China Hospital, Sichuan University
Classification: Likely pathogenic for Autosomal dominant nonsyndromic hearing loss 7. Last evaluated: 2025-01-09. Review status: criteria provided, single submitter. Criteria: ClinGen HL ACMG Specifications v1. Collection method: research. Allele origin: germline. Affected: yes.